The following is an entry in ClinVar:

NM_001034853.2(RPGR):c.2564A>G (p.Glu855Gly)

Gene: RPGR (retinitis pigmentosa GTPase regulator; minus strand). Cytogenetic location: Xp11.4.
Variant type: single nucleotide variant.
Coding change: c.2564A>G on transcript NM_001034853.2 (MANE Select); coding-DNA position 2564, A replaced by G.
Protein change: p.Glu855Gly; replaces glutamic acid 855 with glycine.
Molecular consequence: missense variant. On other transcripts: intron variant (8).
Genome position (GRCh38, 1-based): chrX:38,286,435, T>C on the plus strand (A>G on the coding strand, the complement: RPGR is on the minus strand). VCF-style: chrX-38286435-T-C. GRCh37 (hg19) VCF-style: chrX-38145688-T-C.
Other names: c.1569+4524A>G (NM_001367249.1, NM_001367250.1); c.1902+659A>G (NM_001367245.1); c.1386+4524A>G (NM_001367251.1); c.1719+659A>G (NM_001367246.1); c.1572+4524A>G (NM_001367247.1); c.1905+659A>G (NM_000328.3); c.1602+4524A>G (NM_001367248.1); short protein forms E855G.
Identifiers: ClinVar variation 2144644 (VCV002144644.4), dbSNP rs2519789645, ClinGen allele CA412730344.
Genomic context (GRCh38, chrX:38,286,435, plus strand): 5'-TCTCCTTCCTCCCCTTCTTCCTCCCCTTCTCCTTCTTCCCCTTCTTCCTCCCCTTTCCCT[T>C]CTCCTTCCTCCTCTTCCCCCTCCCCTTCCTCCTCTTCCCCCTCCCCTTCCTCCTCTTCCC-3'
Protein context (NP_001030025.1, residues 845-865): EEGEGEEEEG[Glu855Gly]GKGEEEGEEG

ClinVar aggregate classification (germline): Uncertain significance (1 of 4 stars; one submission).

Conditions:
Primary ciliary dyskinesia. Also called: Ciliary dyskinesia. Identifiers: Orphanet 244, MedGen C0008780, MONDO:0016575, HP:0012265.

Submission:

Labcorp Genetics (formerly Invitae), Labcorp
Classification: Uncertain significance for Primary ciliary dyskinesia. Last evaluated: 2022-05-31. Review status: criteria provided, single submitter. Criteria: Invitae Variant Classification Sherloc (09022015). Collection method: clinical testing. Allele origin: germline.
Comment: In summary, the available evidence is currently insufficient to determine the role of this variant in disease. Therefore, it has been classified as a Variant of Uncertain Significance. Experimental studies and prediction algorithms are not available or were not evaluated, and the functional significance of this variant is currently unknown. This sequence change replaces glutamic acid, which is acidic and polar, with glycine, which is neutral and non-polar, at codon 855 of the RPGR (ORF15) protein (p.Glu855Gly). This variant is not present in population databases (gnomAD no frequency). This variant has not been reported in the literature in individuals affected with RPGR (ORF15)-related conditions.